The following is an entry in ClinVar:

NM_001005373.4(LRSAM1):c.1699-83A>T

Gene: LRSAM1 (leucine rich repeat and sterile alpha motif containing 1; plus strand). Cytogenetic location: 9q33.3.
Variant type: single nucleotide variant.
Coding change: c.1699-83A>T on transcript NM_001005373.4 (MANE Select); 83 bases into the intron before coding-DNA position 1699, A replaced by T.
Molecular consequence: intron variant.
Genome position (GRCh38, 1-based): chr9:127,495,881, A>T. VCF-style: chr9-127495881-A-T. GRCh37 (hg19) VCF-style: chr9-130258160-A-T.
Other names: c.1699-83A>T (NM_138361.5, NM_001384142.1, NM_001005374.4); c.1600-83A>T (NM_001384143.1); c.1618-83A>T (NM_001190723.3); c.910-83A>T (NM_001384144.1).
Identifiers: ClinVar variation 683129 (VCV000683129.2), dbSNP rs2249052, ClinGen allele CA13058776.

ClinVar aggregate classification (germline): Benign. Review status: criteria provided, multiple submitters, no conflicts (2 of 4 stars). 2 submissions from 2 submitters: Benign (2). Last evaluated 2018-06-14.

Allele frequency attached by ClinVar (database versions not stated): 1000 Genomes Project 30x 0.35322; 1000 Genomes Project 0.35523; TOPMed 0.40519; gnomAD 0.43409 and 0.43881; gnomAD exomes 0.46064.
gnomAD v4.1: 711,477 of 1,555,704 alleles (46%); highest among the groups gnomAD compares: Non-Finnish European, 49%; 168,523 homozygotes.

Submissions (2):

GeneDx
Classification: Benign. Last evaluated: 2018-06-14. Review status: criteria provided, single submitter. Criteria: GeneDx Variant Classification (06012015). Collection method: clinical testing. Allele origin: germline. Affected: yes.
Comment: This variant is considered likely benign or benign based on one or more of the following criteria: it is a conservative change, it occurs at a poorly conserved position in the protein, it is predicted to be benign by multiple in silico algorithms, and/or has population frequency not consistent with disease.

Breakthrough Genomics
Classification: Benign. Review status: criteria provided, single submitter. Criteria: ACMG Guidelines, 2015. Collection method: not provided. Allele origin: germline. Inheritance: Autosomal dominant inheritance. Affected: yes.